The following is an entry in ClinVar:

ClinVar aggregate classification (germline): Uncertain significance (1 of 4 stars; one submission).

Conditions:
Spermatogenic failure 45. Identifiers: MedGen C5436791, MONDO:0033671, OMIM 619094.

gnomAD v4.1: 130 of 1,613,936 alleles (0.0081%); highest among the groups gnomAD compares: East Asian, 0.21%; 1 homozygote.

Submission:

Juno Genomics, Hangzhou Juno Genomics, Inc
Classification: Uncertain significance for Spermatogenic failure 45. Review status: criteria provided, single submitter. Criteria: ACMG Guidelines, 2015. Collection method: clinical testing. Allele origin: germline.
Comment: Absent from controls (or at extremely low frequency if recessive) in Genome Aggregation Database.;Multiple lines of computational evidence support a deleterious effect on the gene or gene product.

NM_020877.5(DNAH2):c.8187C>T (p.Val2729=)

Gene: DNAH2 (dynein axonemal heavy chain 2; plus strand). Cytogenetic location: 17p13.1.
Variant type: single nucleotide variant.
Coding change: c.8187C>T on transcript NM_020877.5 (MANE Select); coding-DNA position 8187, C replaced by T.
Protein change: p.Val2729=; no amino-acid change (valine 2729 retained).
Molecular consequence: synonymous variant.
Genome position (GRCh38, 1-based): chr17:7,797,786, C>T. VCF-style: chr17-7797786-C-T. GRCh37 (hg19) VCF-style: chr17-7701104-C-T.
Identifiers: ClinVar variation 5005824 (VCV005005824.2).
Genomic context (GRCh38, chr17:7,797,786, plus strand): 5'-GACAGTGCTGAAGACAGTCATGGAGACAGCTCTAAATGAGTATAACCTGTCACCCTCTGT[C>T]GTGCCCATGCAGCTAGTGCTCTTCCGAGAGGCTATTGAACACAGTGAGCACCTGCCACGC-3'
Protein context (NP_065928.2, residues 2719-2739): ALNEYNLSPS[Val2729=]VPMQLVLFRE